The following is an entry in ClinVar:

NM_022124.6(CDH23):c.9389C>T (p.Pro3130Leu)

Gene: CDH23 (cadherin related 23; plus strand). Cytogenetic location: 10q22.1.
Variant type: single nucleotide variant.
Coding change: c.9389C>T on transcript NM_022124.6 (MANE Select); coding-DNA position 9389, C replaced by T.
Protein change: p.Pro3130Leu; replaces proline 3130 with leucine.
Molecular consequence: missense variant.
Genome position (GRCh38, 1-based): chr10:71,812,488, C>T. VCF-style: chr10-71812488-C-T. GRCh37 (hg19) VCF-style: chr10-73572245-C-T.
Other names: c.80C>T, p.Pro27Leu (NM_001171935.1, NM_001171936.1); c.2669C>T, p.Pro890Leu (NM_001171933.1, NM_001171934.1); short protein forms P3130L, P890L, P27L.
Identifiers: ClinVar variation 1406426 (VCV001406426.6), dbSNP rs2133006695, ClinGen allele CA377136298.

ClinVar aggregate classification (germline): Uncertain significance (1 of 4 stars; one submission).

Allele frequency attached by ClinVar (database versions not stated): gnomAD exomes below 0.00001.

Submission:

Labcorp Genetics (formerly Invitae), Labcorp
Classification: Uncertain significance. Last evaluated: 2024-01-02. Review status: criteria provided, single submitter. Criteria: Invitae Variant Classification Sherloc (09022015). Collection method: clinical testing. Allele origin: germline.
Comment: This sequence change replaces proline, which is neutral and non-polar, with leucine, which is neutral and non-polar, at codon 3130 of the CDH23 protein (p.Pro3130Leu). This variant is not present in population databases (gnomAD no frequency). This variant has not been reported in the literature in individuals affected with CDH23-related conditions. ClinVar contains an entry for this variant (Variation ID: 1406426). Advanced modeling of protein sequence and biophysical properties (such as structural, functional, and spatial information, amino acid conservation, physicochemical variation, residue mobility, and thermodynamic stability) performed at Invitae indicates that this missense variant is not expected to disrupt CDH23 protein function with a negative predictive value of 95%. In summary, the available evidence is currently insufficient to determine the role of this variant in disease. Therefore, it has been classified as a Variant of Uncertain Significance.